The following is an entry in ClinVar:

ClinVar aggregate classification (germline): Uncertain significance. Review status: criteria provided, multiple submitters, no conflicts (2 of 4 stars). 3 submissions from 3 submitters: Uncertain significance (3). Last evaluated 2025-04-27.

Conditions:
Hereditary nonpolyposis colorectal neoplasms. Identifiers: MedGen C0009405, MeSH D003123.
Hereditary cancer-predisposing syndrome. Also called: Tumor predisposition; Hereditary Cancer Syndrome; Hereditary neoplastic syndrome; Neoplastic Syndromes, Hereditary. Identifiers: Orphanet 140162, MedGen C0027672, MeSH D009386, MONDO:0015356.

Submissions (3):

Labcorp Genetics (formerly Invitae), Labcorp
Classification: Uncertain significance for Hereditary nonpolyposis colorectal neoplasms. Last evaluated: 2025-04-27. Review status: criteria provided, single submitter. Criteria: Invitae Variant Classification Sherloc (09022015). Collection method: clinical testing. Allele origin: germline.
Comment: This sequence change replaces threonine, which is neutral and polar, with alanine, which is neutral and non-polar, at codon 203 of the PMS2 protein (p.Thr203Ala). This variant is not present in population databases (gnomAD no frequency). This variant has not been reported in the literature in individuals affected with PMS2-related conditions. ClinVar contains an entry for this variant (Variation ID: 182797). Invitae Evidence Modeling incorporating data from in vitro experimental studies (internal data) indicates that this missense variant is not expected to disrupt PMS2 function with a negative predictive value of 95%. In summary, the available evidence is currently insufficient to determine the role of this variant in disease. Therefore, it has been classified as a Variant of Uncertain Significance.

Ambry Genetics
Classification: Uncertain significance for Hereditary cancer-predisposing syndrome. Last evaluated: 2022-01-31. Review status: criteria provided, single submitter. Criteria: Ambry Variant Classification Scheme 2023. Collection method: clinical testing. Allele origin: germline.
Comment: The p.T203A variant (also known as c.607A>G), located in coding exon 6 of the PMS2 gene, results from an A to G substitution at nucleotide position 607. The threonine at codon 203 is replaced by alanine, an amino acid with similar properties. This amino acid position is conserved. In addition, the in silico prediction for this alteration is inconclusive. Since supporting evidence is limited at this time, the clinical significance of this alteration remains unclear.

GeneDx
Classification: Uncertain significance. Last evaluated: 2014-05-08. Review status: criteria provided, single submitter. Criteria: GeneDx Variant Classification (06012015). Collection method: clinical testing. Allele origin: germline. Affected: yes.
Comment: This variant is denoted PMS2 c.607A>G at the cDNA level, p.Thr203Ala (T203A) at the protein level, and results in the change of a Threonine to an Alanine (ACC>GCC). This variant has not, to our knowledge, been published in the literature as pathogenic or benign. PMS2 Thr203Ala was not observed in approximately 6,500 individuals of European and African American ancestry in the NHLBI Exome Sequencing Project, indicating it is not a common benign variant in these populations. Since Threonine and Alanine differ in polarity, charge, size or other properties, this is considered a non-conservative amino acid substitution. PMS2 Thr203Ala occurs at a position that is well conserved among mammals and is located in the ATPase domain (Fukui 2011). In addition, in silico analyses predict that this variant is probably damaging to protein structure and function. Based on currently available information, it is unclear whether PMS2 Thr203Ala is pathogenic or benign. We consider it to be a variant of uncertain significance.

NM_000535.7(PMS2):c.607A>G (p.Thr203Ala)

Gene: PMS2 (PMS1 homolog 2, mismatch repair system component; minus strand). Cytogenetic location: 7p22.1.
Variant type: single nucleotide variant.
Coding change: c.607A>G on transcript NM_000535.7 (MANE Select); coding-DNA position 607, A replaced by G.
Protein change: p.Thr203Ala; replaces threonine 203 with alanine.
Molecular consequence: missense variant. On other transcripts: 5 prime UTR variant (2), non-coding transcript variant (1), intron variant (1).
Genome position (GRCh38, 1-based): chr7:5,999,206, T>C on the plus strand (A>G on the coding strand, the complement: PMS2 is on the minus strand). VCF-style: chr7-5999206-T-C. GRCh37 (hg19) VCF-style: chr7-6038837-T-C.
Other names: p.T203A:ACC>GCC; c.202A>G, p.Thr68Ala (NM_001322003.2, NM_001322004.2, NM_001322005.2 and 2 more transcripts); c.607A>G, p.Thr203Ala (NM_001322006.2, NM_001322014.2); c.289A>G, p.Thr97Ala (NM_001322007.2, NM_001322008.2); c.-327A>G (NM_001322011.2, NM_001322012.2); c.298A>G, p.Thr100Ala (NM_001322015.2); c.133-1783A>G (NM_001322013.2); short protein forms T203A, T100A, T97A, T68A.
Identifiers: ClinVar variation 182797 (VCV000182797.13), dbSNP rs730881907, ClinGen allele CA012401.